The following is an entry in ClinVar:

NM_032119.4(ADGRV1):c.8716A>G (p.Ile2906Val)

Gene: ADGRV1 (adhesion G protein-coupled receptor V1; plus strand). Cytogenetic location: 5q14.3.
Variant type: single nucleotide variant.
Coding change: c.8716A>G on transcript NM_032119.4 (MANE Select); coding-DNA position 8716, A replaced by G.
Protein change: p.Ile2906Val; replaces isoleucine 2906 with valine.
Molecular consequence: missense variant. On other transcripts: non-coding transcript variant (1).
Genome position (GRCh38, 1-based): chr5:90,706,380, A>G. VCF-style: chr5-90706380-A-G. GRCh37 (hg19) VCF-style: chr5-90002197-A-G.
Other names: short protein forms I2906V.
Identifiers: ClinVar variation 2574808 (VCV002574808.1), dbSNP rs758931260, ClinGen allele CA3340318.

ClinVar aggregate classification (germline): Uncertain significance (1 of 4 stars; one submission).

Allele frequency attached by ClinVar (database versions not stated): ExAC 0.00001; gnomAD 0.00001; TOPMed 0.00001.
gnomAD v4.1: 4 of 1,593,930 alleles (0.00025%); highest among the groups gnomAD compares: Admixed American, 0.0035%; no homozygotes.

Submission:

GeneDx
Classification: Uncertain significance. Last evaluated: 2023-02-01. Review status: criteria provided, single submitter. Criteria: GeneDx Variant Classification Process June 2021. Collection method: clinical testing. Allele origin: germline. Affected: yes.
Comment: In silico analysis supports that this missense variant does not alter protein structure/function; Has not been previously published as pathogenic or benign to our knowledge